The following is an entry in ClinVar:

NM_003781.4(B3GALNT1):c.-237T>G

Gene: B3GALNT1 (beta-1,3-N-acetylgalactosaminyltransferase 1 (Globoside blood group); minus strand). Cytogenetic location: 3q26.1.
Variant type: single nucleotide variant.
Coding change: c.-237T>G on transcript NM_003781.4 (MANE Select); 237 bases upstream of the start codon, T replaced by G.
Molecular consequence: 5 prime UTR variant. On other transcripts: missense variant (2).
Genome position (GRCh38, 1-based): chr3:161,104,335, A>C on the plus strand (T>G on the coding strand, the complement: B3GALNT1 is on the minus strand). VCF-style: chr3-161104335-A-C. GRCh37 (hg19) VCF-style: chr3-160822123-A-C.
Other names: c.-449T>G (NM_001349147.2, NM_001349154.2, NM_001038628.2 and 1 more transcripts); c.-237T>G (NM_001349148.2, NM_001349160.1, NM_033169.3); c.-354T>G (NM_001349149.2); c.-356T>G (NM_001349150.2, NM_001349151.2, NM_001349152.2 and 2 more transcripts); c.-234T>G (NM_001349153.2, NM_001349161.2, NM_001349134.2 and 2 more transcripts); c.-261T>G (NM_001349155.2, NM_001349141.2); c.-330T>G (NM_001349156.2, NM_001349132.2, NM_001349135.2); c.-235T>G (NM_001349157.2, NM_001349136.2); and 8 more; short protein forms F3C.
Identifiers: ClinVar variation 3035261 (VCV003035261.2), dbSNP rs190148089, ClinGen allele CA2688315.

ClinVar aggregate classification (germline): Likely benign (0 of 4 stars; one submission).

Conditions:
B3GALNT1-related disorder. Also called: B3GALNT1-related condition.

Allele frequency attached by ClinVar (database versions not stated): ExAC 0.00073; 1000 Genomes Project 0.00100; gnomAD 0.00121; 1000 Genomes Project 30x 0.00125; TOPMed 0.00131; gnomAD exomes 0.00147.

Submission:

PreventionGenetics, part of Exact Sciences
Classification: Likely benign for B3GALNT1-related condition. Last evaluated: 2022-01-31. Review status: no assertion criteria provided. Collection method: clinical testing. Allele origin: germline.
Comment: This variant is classified as likely benign based on ACMG/AMP sequence variant interpretation guidelines (Richards et al. 2015 PMID: 25741868, with internal and published modifications).